The following is an entry in ClinVar:

NM_000057.4(BLM):c.95T>A (p.Phe32Tyr)

Gene: BLM (BLM RecQ like helicase; plus strand). Cytogenetic location: 15q26.1.
Variant type: single nucleotide variant.
Coding change: c.95T>A on transcript NM_000057.4 (MANE Select); coding-DNA position 95, T replaced by A.
Protein change: p.Phe32Tyr; replaces phenylalanine 32 with tyrosine.
Molecular consequence: missense variant. On other transcripts: 5 prime UTR variant (1).
Genome position (GRCh38, 1-based): chr15:90,747,487, T>A. VCF-style: chr15-90747487-T-A. GRCh37 (hg19) VCF-style: chr15-91290717-T-A.
Other names: c.95T>A, p.Phe32Tyr (NM_001287246.2, NM_001287247.2); c.-1197T>A (NM_001287248.2); short protein forms F32Y.
Identifiers: ClinVar variation 3261034 (VCV003261034.1).

ClinVar aggregate classification (germline): Uncertain significance (1 of 4 stars; one submission).

Conditions:
Hereditary cancer-predisposing syndrome. Also called: Hereditary Cancer Syndrome; Tumor predisposition; Hereditary neoplastic syndrome; Neoplastic Syndromes, Hereditary. Identifiers: Orphanet 140162, MedGen C0027672, MeSH D009386, MONDO:0015356.

Submission:

Ambry Genetics
Classification: Uncertain significance for Hereditary cancer-predisposing syndrome. Last evaluated: 2024-05-01. Review status: criteria provided, single submitter. Criteria: Ambry Variant Classification Scheme 2023. Collection method: clinical testing. Allele origin: germline.
Comment: The p.F32Y variant (also known as c.95T>A), located in coding exon 1 of the BLM gene, results from a T to A substitution at nucleotide position 95. The phenylalanine at codon 32 is replaced by tyrosine, an amino acid with highly similar properties. This amino acid position is conserved. In addition, this alteration is predicted to be tolerated by in silico analysis. Based on the available evidence, the clinical significance of this variant remains unclear.